The following is an entry in ClinVar:

ClinVar aggregate classification (germline): Uncertain significance (1 of 4 stars; one submission).

gnomAD v4.1: 5 of 1,397,192 alleles (0.00036%); highest among the groups gnomAD compares: Admixed American, 0.0096%; no homozygotes.

Submission:

Ambry Genetics
Classification: Uncertain significance. Last evaluated: 2025-08-02. Review status: criteria provided, single submitter. Criteria: Ambry Variant Classification Scheme 2023. Collection method: clinical testing. Allele origin: germline.
Comment: The c.184C>G (p.R62G) alteration is located in exon (coding exon ) of the MLXIP gene. This alteration results from a C to G substitution at nucleotide position 184, causing the arginine (R) at amino acid position 62 to be replaced by a glycine (G). Based on insufficient or conflicting evidence, the clinical significance of this alteration remains unclear.

NM_014938.6(MLXIP):c.184C>G (p.Arg62Gly)

Genes: MLXIP (MLX interacting protein; plus strand), LOC130009029 (ATAC-STARR-seq lymphoblastoid silent region 5009; plus strand). Cytogenetic location: 12q24.31.
Variant type: single nucleotide variant.
Coding change: c.184C>G on transcript NM_014938.6 (MANE Select); coding-DNA position 184, C replaced by G.
Protein change: p.Arg62Gly; replaces arginine 62 with glycine.
Molecular consequence: missense variant.
Genome position (GRCh38, 1-based): chr12:122,079,037, C>G. VCF-style: chr12-122079037-C-G. GRCh37 (hg19) VCF-style: chr12-122516943-C-G.
Other names: short protein forms R62G.
Identifiers: ClinVar variation 4108829 (VCV004108829.1).